The following is an entry in ClinVar:

NM_001378454.1(ALMS1):c.4265C>T (p.Pro1422Leu)

Gene: ALMS1 (ALMS1 centrosome and basal body associated protein; plus strand). Cytogenetic location: 2p13.1.
Variant type: single nucleotide variant.
Coding change: c.4265C>T on transcript NM_001378454.1 (MANE Select); coding-DNA position 4265, C replaced by T.
Protein change: p.Pro1422Leu; replaces proline 1422 with leucine.
Molecular consequence: missense variant.
Genome position (GRCh38, 1-based): chr2:73,450,792, C>T. VCF-style: chr2-73450792-C-T. GRCh37 (hg19) VCF-style: chr2-73677919-C-T.
Other names: c.4268C>T, p.Pro1423Leu (NM_015120.4); short protein forms P1422L, P1423L.
Identifiers: ClinVar variation 2038484 (VCV002038484.1), dbSNP rs996932436, ClinGen allele CA50393323.

ClinVar aggregate classification (germline): Uncertain significance (1 of 4 stars; one submission).

Conditions:
Alstrom syndrome (ALMS). Identifiers: Orphanet 64, MedGen C0268425, MONDO:0008763, OMIM 203800.

Allele frequency attached by ClinVar (database versions not stated): TOPMed below 0.00001.

Submission:

Labcorp Genetics (formerly Invitae), Labcorp
Classification: Uncertain significance for Alstrom syndrome. Last evaluated: 2022-07-30. Review status: criteria provided, single submitter. Criteria: Invitae Variant Classification Sherloc (09022015). Collection method: clinical testing. Allele origin: germline.
Comment: This sequence change replaces proline, which is neutral and non-polar, with leucine, which is neutral and non-polar, at codon 1423 of the ALMS1 protein (p.Pro1423Leu). This variant is present in population databases (no rsID available, gnomAD 0.0009%). This variant has not been reported in the literature in individuals affected with ALMS1-related conditions. Experimental studies and prediction algorithms are not available or were not evaluated, and the functional significance of this variant is currently unknown. In summary, the available evidence is currently insufficient to determine the role of this variant in disease. Therefore, it has been classified as a Variant of Uncertain Significance.